The following is an entry in ClinVar:

ClinVar aggregate classification (germline): Conflicting classifications of pathogenicity. Review status: criteria provided, conflicting classifications (1 of 4 stars). 6 submissions from 6 submitters: Uncertain significance (2); Likely benign (3). 1 of the submissions does not count toward it. Last evaluated 2026-01-26.

Conditions:
CEP290-related disorder. Also called: CEP290-related condition; CEP290-related disorders. Identifiers: MedGen CN239314.
Nephronophthisis. Also called: Juvenile Nephronophthisis. Identifiers: Orphanet 655, MedGen C0687120, MONDO:0019005, HP:0000090.
Joubert syndrome. Also called: JOUBERT-BOLTSHAUSER SYNDROME; Familial aplasia of the vermis. Identifiers: Orphanet 475, MedGen C5979921, MONDO:0018772.
Meckel-Gruber syndrome. Also called: Dysencephalia splachnocystica; DYSENCEPHALIA SPLANCHNOCYSTICA; GRUBER SYNDROME. Identifiers: Orphanet 564, MedGen C0265215, MONDO:0018921.
Leber congenital amaurosis (LCA). Also called: Leber's amaurosis. Identifiers: Orphanet 65, MedGen C0339527, MeSH D057130, MONDO:0018998.

Allele frequency attached by ClinVar (database versions not stated): gnomAD 0.00012; TOPMed 0.00019; ExAC 0.00048; gnomAD exomes 0.00053 and 0.00008.
gnomAD v4.1: 139 of 1,505,696 alleles (0.0092%); highest among the groups gnomAD compares: Admixed American, 0.12%; 1 homozygote.

Submissions (6):

PreventionGenetics, part of Exact Sciences
Classification: Likely benign for CEP290-related condition. Last evaluated: 2026-01-26. Review status: criteria provided, single submitter. Criteria: ACMG Guidelines, 2015. Collection method: clinical testing. Allele origin: germline.
Comment: This variant is classified as likely benign based on ACMG/AMP sequence variant interpretation guidelines (Richards et al. 2015 PMID: 25741868, with internal and published modifications).

Blueprint Genetics
Classification: Likely benign. Last evaluated: 2024-10-18. Review status: criteria provided, single submitter. Criteria: ACMG Guidelines, 2015. Collection method: clinical testing. Allele origin: germline.

Labcorp Genetics (formerly Invitae), Labcorp
Classification: Uncertain significance for Joubert syndrome; Meckel-Gruber syndrome; Nephronophthisis. Last evaluated: 2022-09-27. Review status: criteria provided, single submitter. Criteria: Invitae Variant Classification Sherloc (09022015). Collection method: clinical testing. Allele origin: germline.
Comment: This sequence change replaces isoleucine, which is neutral and non-polar, with asparagine, which is neutral and polar, at codon 556 of the CEP290 protein (p.Ile556Asn). This variant is present in population databases (rs727503854, gnomAD 0.2%). This missense change has been observed in individual(s) with CEP290-related conditions (Invitae). ClinVar contains an entry for this variant (Variation ID: 166836). Advanced modeling of protein sequence and biophysical properties (such as structural, functional, and spatial information, amino acid conservation, physicochemical variation, residue mobility, and thermodynamic stability) performed at Invitae indicates that this missense variant is expected to disrupt CEP290 protein function. In summary, the available evidence is currently insufficient to determine the role of this variant in disease. Therefore, it has been classified as a Variant of Uncertain Significance.

GeneDx
Classification: Likely benign. Last evaluated: 2017-01-26. Review status: criteria provided, single submitter. Criteria: GeneDx Variant Classification (06012015). Collection method: clinical testing. Allele origin: germline. Affected: yes.
Comment: This variant is considered likely benign or benign based on one or more of the following criteria: it is a conservative change, it occurs at a poorly conserved position in the protein, it is predicted to be benign by multiple in silico algorithms, and/or has population frequency not consistent with disease.

Eurofins Ntd Llc (ga)
Classification: Uncertain significance. Last evaluated: 2016-03-02. Review status: criteria provided, single submitter. Criteria: EGL Classification Definitions 2015. Collection method: clinical testing. Allele origin: germline. Observed: 2 variant alleles, 2 heterozygotes.

Natera, Inc.
Classification: Likely benign for Leber congenital amaurosis. Last evaluated: 2020-04-17. Review status: no assertion criteria provided. Collection method: clinical testing. Allele origin: germline. Not counted in ClinVar's aggregate classification.

NM_025114.4(CEP290):c.1667T>A (p.Ile556Asn)

Gene: CEP290 (centrosomal protein 290; minus strand). Cytogenetic location: 12q21.32.
Variant type: single nucleotide variant.
Coding change: c.1667T>A on transcript NM_025114.4 (MANE Select); coding-DNA position 1667, T replaced by A.
Protein change: p.Ile556Asn; replaces isoleucine 556 with asparagine.
Molecular consequence: missense variant.
Genome position (GRCh38, 1-based): chr12:88,118,527, A>T on the plus strand (T>A on the coding strand, the complement: CEP290 is on the minus strand). VCF-style: chr12-88118527-A-T. GRCh37 (hg19) VCF-style: chr12-88512304-A-T.
Other names: short protein forms I556N.
Identifiers: ClinVar variation 166836 (VCV000166836.15), dbSNP rs727503854, ClinGen allele CA233677.
Genomic context (GRCh38, chr12:88,118,527, plus strand): 5'-GAATAACTGAGTATACCTGAAGTTGCACTTCTTTTTCCTCTTTCTTGAGCCATTTGACGA[A>T]TTTTTTTTTTCAGATCAAGTCGTTCTTCCTCTAGACTTTCAATCTGCAAAGTATAAATTA-3'
Protein context (NP_079390.3, residues 546-566): EEERLDLKKK[Ile556Asn]RQMAQERGKR